The following is an entry in ClinVar:

NM_018406.7(MUC4):c.3852T>C (p.Thr1284=)

Gene: MUC4 (mucin 4, cell surface associated). Cytogenetic location: 3q29.
Variant type: single nucleotide variant.
Coding change: c.3852T>C on transcript NM_018406.7 (MANE Select); coding-DNA position 3852, T replaced by C.
Protein change: p.Thr1284=; no amino-acid change (threonine 1284 retained).
Molecular consequence: synonymous variant. On other transcripts: intron variant (2).
Genome position (GRCh38, 1-based): chr3:195,787,728, A>G on the plus strand (T>C on the coding strand, the complement: MUC4 is on the minus strand). VCF-style: chr3-195787728-A-G. GRCh37 (hg19) VCF-style: chr3-195514599-A-G.
Other names: c.83-13423T>C (NM_138297.5); c.83-9273T>C (NM_004532.6).
Identifiers: ClinVar variation 3257068 (VCV003257068.17).
Genomic context (GRCh38, chr3:195,787,728, plus strand): 5'-TGAGGAAGGGCTGGTGACATGAAGAGGAGTGACGTGACCTGTGGATGCTGAGGAAGTGCT[A>G]GTGACAGGAAGAGGCGTGGTGTCACCTGTGGATACTGAGGAAGTGTCGGTGACAAGAAGA-3'
Protein context (NP_060876.5, residues 1274-1294): STGDTTPLPV[Thr1284=]STSSASTGHV

ClinVar aggregate classification (germline): Likely benign (1 of 4 stars; one submission).

Submission:

CeGaT Center for Human Genetics Tuebingen
Classification: Likely benign. Last evaluated: 2024-07-01. Review status: criteria provided, single submitter. Criteria: CeGaT Center For Human Genetics Tuebingen Variant Classification Criteria Version 2. Collection method: clinical testing. Allele origin: germline. Affected: yes. Observed: 1 variant allele.
Comment: MUC4: BP4, BP7